The following is an entry in ClinVar:

NM_001243133.2(NLRP3):c.1976T>C (p.Met659Thr)

Gene: NLRP3 (NLR family pyrin domain containing 3; plus strand). Cytogenetic location: 1q44.
Variant type: single nucleotide variant.
Coding change: c.1976T>C on transcript NM_001243133.2 (MANE Select); coding-DNA position 1976, T replaced by C.
Protein change: p.Met659Thr; replaces methionine 659 with threonine.
Molecular consequence: missense variant.
Genome position (GRCh38, 1-based): chr1:247,425,425, T>C. VCF-style: chr1-247425425-T-C. GRCh37 (hg19) VCF-style: chr1-247588727-T-C.
Other names: c.1976T>C, p.Met659Thr (NM_001079821.3, NM_001127461.3, NM_001127462.3 and 1 more transcripts); c.1982T>C, p.Met661Thr (NM_004895.5); short protein forms M659T, M661T.
Identifiers: ClinVar variation 3251842 (VCV003251842.3), dbSNP rs180177457.

ClinVar aggregate classification (germline): Conflicting classifications of pathogenicity. Review status: criteria provided, conflicting classifications (1 of 4 stars). 2 submissions from 2 submitters: Likely pathogenic (1); Uncertain significance (1). Last evaluated 2025-03-31.

Conditions:
Cryopyrin associated periodic syndrome (CAPS). Identifiers: Orphanet 208650, MedGen C2316212, MONDO:0016168.

Submissions (2):

Labcorp Genetics (formerly Invitae), Labcorp
Classification: Likely pathogenic for Cryopyrin associated periodic syndrome. Last evaluated: 2025-03-31. Review status: criteria provided, single submitter. Criteria: Invitae Variant Classification Sherloc (09022015). Collection method: clinical testing. Allele origin: germline.
Comment: This sequence change replaces methionine, which is neutral and non-polar, with threonine, which is neutral and polar, at codon 661 of the NLRP3 protein (p.Met661Thr). This variant is not present in population databases (gnomAD no frequency). This variant has not been reported in the literature in individuals affected with NLRP3-related conditions. ClinVar contains an entry for this variant (Variation ID: 3251842). Invitae Evidence Modeling of protein sequence and biophysical properties (such as structural, functional, and spatial information, amino acid conservation, physicochemical variation, residue mobility, and thermodynamic stability) indicates that this missense variant is expected to disrupt NLRP3 protein function with a positive predictive value of 95%. This variant disrupts the p.Met661 amino acid residue in NLRP3. Other variant(s) that disrupt this residue have been determined to be pathogenic (internal data). This suggests that this residue is clinically significant, and that variants that disrupt this residue are likely to be disease-causing. In summary, the currently available evidence indicates that the variant is pathogenic, but additional data are needed to prove that conclusively. Therefore, this variant has been classified as Likely Pathogenic.

Women's Health and Genetics/Laboratory Corporation of America, LabCorp
Classification: Uncertain significance. Last evaluated: 2024-04-19. Review status: criteria provided, single submitter. Criteria: LabCorp Variant Classification Summary - May 2015. Collection method: clinical testing. Allele origin: germline.
Comment: Variant summary: NLRP3 c.1982T>C (p.Met661Thr) results in a non-conservative amino acid change in the encoded protein sequence. Three of four in-silico tools predict a damaging effect of the variant on protein function. The variant was absent in 251486 control chromosomes. The available data on variant occurrences in the general population are insufficient to allow any conclusion about variant significance. To our knowledge, no occurrence of c.1982T>C in individuals affected with Cryopyrin Associated Periodic Syndrome and no experimental evidence demonstrating its impact on protein function have been reported. No submitters have cited clinical-significance assessments for this variant to ClinVar. Based on the evidence outlined above, the variant was classified as uncertain significance.